The following is an entry in ClinVar:

NM_001009944.3(PKD1):c.7109G>A (p.Cys2370Tyr)

Gene: PKD1 (polycystin 1, transient receptor potential channel interacting; minus strand). Cytogenetic location: 16p13.3.
Variant type: single nucleotide variant.
Coding change: c.7109G>A on transcript NM_001009944.3 (MANE Select); coding-DNA position 7109, G replaced by A.
Protein change: p.Cys2370Tyr; replaces cysteine 2370 with tyrosine.
Molecular consequence: missense variant.
Genome position (GRCh38, 1-based): chr16:2,106,905, C>T on the plus strand (G>A on the coding strand, the complement: PKD1 is on the minus strand). VCF-style: chr16-2106905-C-T. GRCh37 (hg19) VCF-style: chr16-2156906-C-T.
Other names: c.7109G>A, p.Cys2370Tyr (NM_000296.4); short protein forms C2370Y.
Identifiers: ClinVar variation 3579296 (VCV003579296.2).

ClinVar aggregate classification (germline): Pathogenic/Likely pathogenic. Review status: criteria provided, multiple submitters, no conflicts (2 of 4 stars). 2 submissions from 2 submitters: Pathogenic (1); Likely pathogenic (1). Last evaluated 2026-04-13.

Conditions:
Polycystic kidney disease, adult type (PKD1). Also called: Polycystic Kidney Disease 1, Autosomal Dominant; Polycystic kidney disease 1; Polycystic kidney disease 1, severe; Polycystic Kidney, Autosomal Dominant; POLYCYSTIC KIDNEY DISEASE 1 WITH OR WITHOUT POLYCYSTIC LIVER DISEASE; POLYCYSTIC KIDNEY DISEASE, ADULT, TYPE I. Identifiers: MedGen C3149841, MONDO:0008263, OMIM 173900.

Submissions (2):

Women's Health and Genetics/Laboratory Corporation of America, LabCorp
Classification: Pathogenic for Polycystic kidney disease, adult type. Last evaluated: 2026-04-13. Review status: criteria provided, single submitter. Criteria: LabCorp Variant Classification Summary - May 2015. Collection method: clinical testing. Allele origin: germline.
Comment: Variant summary: PKD1 c.7109G>A (p.Cys2370Tyr) results in a non-conservative amino acid change in the encoded protein sequence. Algorithms developed to predict the effect of missense changes on protein structure and function all suggest that this variant is likely to be disruptive. The variant was absent in 220994 control chromosomes. c.7109G>A has been observed in individuals affected with autosomal dominant Polycystic Kidney Disease 1 (e.g. Yu_2022, Lin_2023). These data indicate that the variant is likely to be associated with disease. Other variants affecting the same codon (c.7108T>A, p.Cys2370Ser; c.7108T>C, p.Cys2370Arg) have been classified as likely pathogenic/pathogenic by our lab, supporting the critical relevance of codon 2370 to PKD1 protein function. The following publications have been ascertained in the context of this evaluation (PMID: 36773205, 35778421). ClinVar contains an entry for this variant (Variation ID: 3579296). Based on the evidence outlined above, the variant was classified as pathogenic.

Fulgent Genetics
Classification: Likely pathogenic for Polycystic kidney disease, adult type. Last evaluated: 2024-04-09. Review status: criteria provided, single submitter. Criteria: ACMG Guidelines, 2015. Collection method: clinical testing. Allele origin: germline.

Literature cited by the submitters: PubMed 35778421 (cited by Women's Health and Genetics/Laboratory Corporation of America, LabCorp); PubMed 36773205 (cited by Women's Health and Genetics/Laboratory Corporation of America, LabCorp).